The following is an entry in ClinVar:

ClinVar aggregate classification (germline): Uncertain significance. Review status: criteria provided, multiple submitters, no conflicts (2 of 4 stars). 3 submissions from 3 submitters: Uncertain significance (3). Last evaluated 2022-12-19.

Conditions:
Neurofibromatosis, type 1 (NF1). Also called: NEUROFIBROMATOSIS, TYPE I, SOMATIC; Peripheral type neurofibromatosis; Neurofibromatosis, type I; VON RECKLINGHAUSEN DISEASE. Identifiers: Orphanet 636, MedGen C0027831, MONDO:0018975, OMIM 162200. Disease mechanism: loss of function.
Hereditary cancer-predisposing syndrome. Also called: Neoplastic Syndromes, Hereditary; Tumor predisposition; Hereditary neoplastic syndrome; Hereditary Cancer Syndrome. Identifiers: Orphanet 140162, MedGen C0027672, MeSH D009386, MONDO:0015356.
Cardiovascular phenotype. Identifiers: MedGen CN230736.

Submissions (3):

Ambry Genetics
Classification: Uncertain significance for Cardiovascular phenotype; Hereditary cancer-predisposing syndrome. Last evaluated: 2022-12-19. Review status: criteria provided, single submitter. Criteria: Ambry Variant Classification Scheme 2023. Collection method: clinical testing. Allele origin: germline.
Comment: The p.L2398R variant (also known as c.7193T>G), located in coding exon 48 of the NF1 gene, results from a T to G substitution at nucleotide position 7193. The leucine at codon 2398 is replaced by arginine, an amino acid with dissimilar properties. This amino acid position is conserved. In addition, the in silico prediction for this alteration is inconclusive. Since supporting evidence is limited at this time, the clinical significance of this alteration remains unclear.

CeGaT Center for Human Genetics Tuebingen
Classification: Uncertain significance. Last evaluated: 2022-12-01. Review status: criteria provided, single submitter. Criteria: CeGaT Center For Human Genetics Tuebingen Variant Classification Criteria Version 2. Collection method: clinical testing. Allele origin: germline. Affected: yes. Observed: 1 variant allele.
Comment: NF1: PM2

Labcorp Genetics (formerly Invitae), Labcorp
Classification: Uncertain significance for Neurofibromatosis, type 1. Last evaluated: 2021-11-22. Review status: criteria provided, single submitter. Criteria: Invitae Variant Classification Sherloc (09022015). Collection method: clinical testing. Allele origin: germline.
Comment: This sequence change replaces leucine, which is neutral and non-polar, with arginine, which is basic and polar, at codon 2398 of the NF1 protein (p.Leu2398Arg). This variant is not present in population databases (gnomAD no frequency). This variant has not been reported in the literature in individuals affected with NF1-related conditions. ClinVar contains an entry for this variant (Variation ID: 951205). Advanced modeling of protein sequence and biophysical properties (such as structural, functional, and spatial information, amino acid conservation, physicochemical variation, residue mobility, and thermodynamic stability) performed at Invitae indicates that this missense variant is expected to disrupt NF1 protein function. In summary, the available evidence is currently insufficient to determine the role of this variant in disease. Therefore, it has been classified as a Variant of Uncertain Significance.

NM_001042492.3(NF1):c.7256T>G (p.Leu2419Arg)

Gene: NF1 (neurofibromin 1; plus strand). Cytogenetic location: 17q11.2.
Variant type: single nucleotide variant.
Coding change: c.7256T>G on transcript NM_001042492.3 (MANE Select); coding-DNA position 7256, T replaced by G.
Protein change: p.Leu2419Arg; replaces leucine 2419 with arginine.
Molecular consequence: missense variant.
Genome position (GRCh38, 1-based): chr17:31,349,186, T>G. VCF-style: chr17-31349186-T-G. GRCh37 (hg19) VCF-style: chr17-29676204-T-G.
Other names: c.7193T>G, p.Leu2398Arg (NM_000267.4); short protein forms L2398R, L2419R.
Identifiers: ClinVar variation 951205 (VCV000951205.31), dbSNP rs2070075780, ClinGen allele CA399016785.